The following is an entry in ClinVar:

ClinVar aggregate classification (germline): Benign (1 of 4 stars; one submission).

Conditions:
Mitochondrial complex I deficiency, nuclear type 1. Also called: NADH-COENZYME Q REDUCTASE DEFICIENCY; MITOCHONDRIAL NADH DEHYDROGENASE COMPONENT OF COMPLEX I, DEFICIENCY OF. Identifiers: MedGen C6022305, MONDO:0100224, OMIM 252010.

Allele frequency attached by ClinVar (database versions not stated): gnomAD exomes 0.18657; gnomAD 0.23921 and 0.24139; TOPMed 0.25111; 1000 Genomes Project 0.27476; 1000 Genomes Project 30x 0.27826.

Submission:

Illumina Laboratory Services, Illumina
Classification: Benign for Mitochondrial complex I deficiency, nuclear type 1. Last evaluated: 2018-01-12. Review status: criteria provided, single submitter. Criteria: ICSL Variant Classification Criteria 13 December 2019. Collection method: clinical testing. Allele origin: germline.
Comment: This variant was observed in the ICSL laboratory as part of a predisposition screen in an ostensibly healthy population. It had not been previously curated by ICSL or reported in the Human Gene Mutation Database (HGMD: prior to June 1st, 2018), and was therefore a candidate for classification through an automated scoring system. Utilizing variant allele frequency, disease prevalence and penetrance estimates, and inheritance mode, an automated score was calculated to assess if this variant is too frequent to cause the disease. Based on the score and internal cut-off values, a variant classified as benign is not then subjected to further curation. The score for this variant resulted in a classification of benign for this disease.

NM_014165.4(NDUFAF4):c.*1443G>A

Gene: NDUFAF4 (NADH:ubiquinone oxidoreductase complex assembly factor 4; minus strand). Cytogenetic location: 6q16.1.
Variant type: single nucleotide variant.
Coding change: c.*1443G>A on transcript NM_014165.4 (MANE Select); 1443 bases downstream of the stop codon, G replaced by A.
Molecular consequence: 3 prime UTR variant.
Genome position (GRCh38, 1-based): chr6:96,889,661, C>T on the plus strand (G>A on the coding strand, the complement: NDUFAF4 is on the minus strand). VCF-style: chr6-96889661-C-T. GRCh37 (hg19) VCF-style: chr6-97337537-C-T.
Identifiers: ClinVar variation 358249 (VCV000358249.5), dbSNP rs7758762, ClinGen allele CA10622818.